The following is an entry in ClinVar:

ClinVar aggregate classification (germline): Uncertain significance (1 of 4 stars; one submission).

Conditions:
Neuronal ceroid lipofuscinosis. Also called: Neuronal Ceroid Lipofuscinoses. Identifiers: Orphanet 216, Orphanet 79263, MedGen C0027877, MONDO:0016295. Disease mechanism: loss of function.

Allele frequency attached by ClinVar (database versions not stated): TOPMed below 0.00001.

Submission:

Labcorp Genetics (formerly Invitae), Labcorp
Classification: Uncertain significance for Neuronal ceroid lipofuscinosis. Last evaluated: 2024-01-22. Review status: criteria provided, single submitter. Criteria: Invitae Variant Classification Sherloc (09022015). Collection method: clinical testing. Allele origin: germline.
Comment: This sequence change replaces isoleucine, which is neutral and non-polar, with valine, which is neutral and non-polar, at codon 390 of the CLN5 protein (p.Ile390Val). This variant is not present in population databases (gnomAD no frequency). This variant has not been reported in the literature in individuals affected with CLN5-related conditions. ClinVar contains an entry for this variant (Variation ID: 2176035). Advanced modeling of protein sequence and biophysical properties (such as structural, functional, and spatial information, amino acid conservation, physicochemical variation, residue mobility, and thermodynamic stability) performed at Invitae indicates that this missense variant is not expected to disrupt CLN5 protein function with a negative predictive value of 80%. In summary, the available evidence is currently insufficient to determine the role of this variant in disease. Therefore, it has been classified as a Variant of Uncertain Significance.

NM_006493.4(CLN5):c.1021A>G (p.Ile341Val)

Gene: CLN5 (CLN5 lysosomal BMP synthase; plus strand). Cytogenetic location: 13q22.3.
Variant type: single nucleotide variant.
Coding change: c.1021A>G on transcript NM_006493.4 (MANE Select); coding-DNA position 1021, A replaced by G.
Protein change: p.Ile341Val; replaces isoleucine 341 with valine.
Molecular consequence: missense variant. On other transcripts: 3 prime UTR variant (1).
Genome position (GRCh38, 1-based): chr13:77,000,913, A>G. VCF-style: chr13-77000913-A-G. GRCh37 (hg19) VCF-style: chr13-77575048-A-G.
Other names: c.*470A>G (NM_001366624.2); short protein forms I390V, I341V.
Identifiers: ClinVar variation 2176035 (VCV002176035.4), dbSNP rs1321362326, ClinGen allele CA388314810.